The following is an entry in ClinVar:

ClinVar aggregate classification (germline): Benign (1 of 4 stars; one submission).

Conditions:
Congenital defect of folate absorption. Also called: Hereditary Folate Malabsorption. Identifiers: Orphanet 90045, MedGen C0342705, MONDO:0009238, OMIM 229050.

Allele frequency attached by ClinVar (database versions not stated): gnomAD 0.01036 and 0.01106; 1000 Genomes Project 0.01078; 1000 Genomes Project 30x 0.01109; TOPMed 0.01196.

Submission:

Illumina Laboratory Services, Illumina
Classification: Benign for Congenital defect of folate absorption. Last evaluated: 2018-01-13. Review status: criteria provided, single submitter. Criteria: ICSL Variant Classification Criteria 13 December 2019. Collection method: clinical testing. Allele origin: germline.
Comment: This variant was observed in the ICSL laboratory as part of a predisposition screen in an ostensibly healthy population. It had not been previously curated by ICSL or reported in the Human Gene Mutation Database (HGMD: prior to June 1st, 2018), and was therefore a candidate for classification through an automated scoring system. Utilizing variant allele frequency, disease prevalence and penetrance estimates, and inheritance mode, an automated score was calculated to assess if this variant is too frequent to cause the disease. Based on the score and internal cut-off values, a variant classified as benign is not then subjected to further curation. The score for this variant resulted in a classification of benign for this disease.

NM_080669.6(SLC46A1):c.*729G>A

Genes: SARM1 (sterile alpha and TIR motif containing 1; plus strand), SLC46A1 (solute carrier family 46 member 1; minus strand). Cytogenetic location: 17q11.2.
Variant type: single nucleotide variant.
Coding change: c.*729G>A on transcript NM_080669.6 (MANE Select); 729 bases downstream of the stop codon, G replaced by A.
Molecular consequence: 3 prime UTR variant.
Genome position (GRCh38, 1-based): chr17:28,398,927, C>T on the plus strand (G>A on the coding strand, the complement: SLC46A1 is on the minus strand). VCF-style: chr17-28398927-C-T. GRCh37 (hg19) VCF-style: chr17-26725943-C-T.
Other names: c.*729G>A (NM_001242366.3); c.*2641C>T (NM_015077.4).
Identifiers: ClinVar variation 322396 (VCV000322396.5), dbSNP rs41297903, ClinGen allele CA10648881.